The following is an entry in ClinVar:

NM_001267550.2(TTN):c.101869A>C (p.Ile33957Leu)

Genes: TTN (titin; minus strand), TTN-AS1 (TTN antisense RNA 1; plus strand). Cytogenetic location: 2q31.2.
Variant type: single nucleotide variant.
Coding change: c.101869A>C on transcript NM_001267550.2 (MANE Select); coding-DNA position 101869, A replaced by C.
Protein change: p.Ile33957Leu; replaces isoleucine 33957 with leucine.
Molecular consequence: missense variant.
Genome position (GRCh38, 1-based): chr2:178,534,746, T>G on the plus strand (A>C on the coding strand, the complement: TTN is on the minus strand). VCF-style: chr2-178534746-T-G. GRCh37 (hg19) VCF-style: chr2-179399473-T-G.
Other names: c.96946A>C, p.Ile32316Leu (NM_001256850.1); c.74674A>C, p.Ile24892Leu (NM_003319.4); c.94165A>C, p.Ile31389Leu (NM_133378.4); c.75049A>C, p.Ile25017Leu (NM_133432.3); c.75250A>C, p.Ile25084Leu (NM_133437.4); short protein forms I31389L, I25017L, I32316L, I25084L, I24892L, I33957L.
Identifiers: ClinVar variation 1759036 (VCV001759036.2), dbSNP rs2468547276, ClinGen allele CA349419131.

ClinVar aggregate classification (germline): Uncertain significance (1 of 4 stars; one submission).

Conditions:
Cardiovascular phenotype. Identifiers: MedGen CN230736.

Allele frequency attached by ClinVar (database versions not stated): gnomAD exomes below 0.00001.
gnomAD v4.1: 1 of 1,613,846 alleles (0.000062%); highest among the groups gnomAD compares: Non-Finnish European, 0.000085%; no homozygotes.

Submission:

Ambry Genetics
Classification: Uncertain significance for Cardiovascular phenotype. Last evaluated: 2019-12-19. Review status: criteria provided, single submitter. Criteria: Ambry Variant Classification Scheme 2023. Collection method: clinical testing. Allele origin: germline.
Comment: The p.I24892L variant (also known as c.74674A>C), located in coding exon 185 of the TTN gene, results from an A to C substitution at nucleotide position 74674. The isoleucine at codon 24892 is replaced by leucine, an amino acid with highly similar properties. This amino acid position is well conserved in available vertebrate species. In addition, this alteration is predicted to be tolerated by in silico analysis. Since supporting evidence is limited at this time, the clinical significance of this alteration remains unclear.